The following is an entry in ClinVar:

ClinVar aggregate classification (germline): Pathogenic (1 of 4 stars; one submission).

Conditions:
Myofibrillar myopathy 4. Also called: Zaspopathy (type). Identifiers: Orphanet 98912, MedGen C4721886, MONDO:0012277, OMIM 609452.

Submission:

Labcorp Genetics (formerly Invitae), Labcorp
Classification: Pathogenic for Myofibrillar myopathy 4. Last evaluated: 2024-04-17. Review status: criteria provided, single submitter. Criteria: Invitae Variant Classification Sherloc (09022015). Collection method: clinical testing. Allele origin: germline.
Comment: The LDB3 gene has multiple clinically relevant transcripts. This variant occurs in alternate transcript NM_007078.3, and corresponds to NM_001080116.1:c.*17160dup in the primary transcript. This sequence change creates a premature translational stop signal (p.Ala482Cysfs*13) in the LDB3 gene. It is expected to result in an absent or disrupted protein product. Loss-of-function variants in LDB3 are known to be pathogenic (PMID: 36253531). This variant is not present in population databases (gnomAD no frequency). This variant has not been reported in the literature in individuals affected with LDB3-related conditions. For these reasons, this variant has been classified as Pathogenic.

Literature cited by the submitters: PubMed 36253531.

NM_007078.3(LDB3):c.1439dup (p.Ala482fs)

Gene: LDB3 (LIM domain binding 3; plus strand). Cytogenetic location: 10q23.2.
Variant type: Duplication.
Coding change: c.1439dup on transcript NM_007078.3 (MANE Select); coding-DNA position 1439, one base duplicated (G; older notation c.1439dupG).
Protein change: p.Ala482fs; shifts the reading frame from alanine 482.
Molecular consequence: frameshift variant.
Genome position (GRCh38, 1-based): chr10:86,716,534, G duplicated; the last of 5 consecutive G bases (chr10:86,716,530-86,716,534); duplicating any one gives the same sequence. VCF-style (leftmost placement, unchanged base first): chr10-86716529-C-CG. GRCh37 (hg19) VCF-style: chr10-88476286-C-CG.
Other names: c.1109dup, p.Ala372fs (NM_001080114.2); c.1454dup, p.Ala487fs (NM_001171610.2); c.1250dup, p.Ala419fs (NM_001368064.1, NM_001368065.1); c.1298dup, p.Ala435fs (NM_001368066.1); short protein forms A419fs, A487fs, A372fs, A435fs, A482fs.
Identifiers: ClinVar variation 1425088 (VCV001425088.6), dbSNP rs2132482311, ClinGen allele CA2573145665.